The following is an entry in ClinVar:

ClinVar aggregate classification (germline): Conflicting classifications of pathogenicity. Review status: criteria provided, conflicting classifications (1 of 4 stars). 7 submissions from 7 submitters: Uncertain significance (4); Likely benign (3). Last evaluated 2025-06-24.

Conditions:
Cardiovascular phenotype. Identifiers: MedGen CN230736.
MYPN-related myopathy (CMYO24). Also called: Nemaline myopathy 11, autosomal recessive. Identifiers: MedGen C4479186, MONDO:0015023, OMIM 617336.
Dilated cardiomyopathy 1KK (CMD1KK). Identifiers: Orphanet 154, Orphanet 75249, MedGen C3714995, MONDO:0014100, OMIM 615248.

Allele frequency attached by ClinVar (database versions not stated): ESP Exome Variant Server 0.00008; ExAC 0.00016; gnomAD 0.00018 and 0.00021; TOPMed 0.00025.
gnomAD v4.1: 443 of 1,613,968 alleles (0.027%); highest among the groups gnomAD compares: Admixed American, 0.038%; no homozygotes.

Submissions (7):

GeneDx
Classification: Uncertain significance. Last evaluated: 2025-06-24. Review status: criteria provided, single submitter. Criteria: GeneDx Variant Classification Process June 2021. Collection method: clinical testing. Allele origin: germline. Affected: yes.
Comment: Has not been previously published as pathogenic or benign to our knowledge; In silico analysis suggests that this missense variant does not alter protein structure/function

Women's Health and Genetics/Laboratory Corporation of America, LabCorp
Classification: Uncertain significance. Last evaluated: 2025-06-02. Review status: criteria provided, single submitter. Criteria: LabCorp Variant Classification Summary - May 2015. Collection method: clinical testing. Allele origin: germline.
Comment: Variant summary: MYPN c.952G>A (p.Val318Ile) results in a conservative amino acid change in the encoded protein sequence. Algorithms developed to predict the effect of missense changes on protein structure and function all suggest that this variant is likely to be tolerated. The variant allele was found at a frequency of 0.00016 in 251244 control chromosomes. This frequency is not significantly higher than estimated for a pathogenic variant in MYPN causing MYPN-Related Myopathy (0.00016 vs 0.0005), allowing no conclusion about variant significance. To our knowledge, no occurrence of c.952G>A in individuals affected with MYPN-Related Myopathy and no experimental evidence demonstrating its impact on protein function have been reported. ClinVar contains an entry for this variant (Variation ID: 192124). Based on the evidence outlined above, the variant was classified as uncertain significance.

Blueprint Genetics
Classification: Likely benign. Last evaluated: 2023-12-15. Review status: criteria provided, single submitter. Criteria: ACMG Guidelines, 2015. Collection method: clinical testing. Allele origin: germline.

Labcorp Genetics (formerly Invitae), Labcorp
Classification: Uncertain significance for Dilated cardiomyopathy 1KK. Last evaluated: 2022-10-25. Review status: criteria provided, single submitter. Criteria: Invitae Variant Classification Sherloc (09022015). Collection method: clinical testing. Allele origin: germline.
Comment: This sequence change replaces valine, which is neutral and non-polar, with isoleucine, which is neutral and non-polar, at codon 318 of the MYPN protein (p.Val318Ile). This variant is present in population databases (rs112518450, gnomAD 0.04%). This variant has not been reported in the literature in individuals affected with MYPN-related conditions. ClinVar contains an entry for this variant (Variation ID: 192124). Algorithms developed to predict the effect of missense changes on protein structure and function output the following: SIFT: "Tolerated"; PolyPhen-2: "Benign"; Align-GVGD: "Class C0". The isoleucine amino acid residue is found in multiple mammalian species, which suggests that this missense change does not adversely affect protein function. In summary, the available evidence is currently insufficient to determine the role of this variant in disease. Therefore, it has been classified as a Variant of Uncertain Significance.

Ambry Genetics
Classification: Likely benign for Cardiovascular phenotype. Last evaluated: 2018-11-08. Review status: criteria provided, single submitter. Criteria: Ambry Variant Classification Scheme 2023. Collection method: clinical testing. Allele origin: germline.

Biesecker Lab/Clinical Genomics Section, National Institutes of Health
Classification: Likely benign. Last evaluated: 2013-06-24. Review status: criteria provided, single submitter. Criteria: Ng et al. (Circ Cardiovasc Genet. 2013). Collection method: research. Allele origin: unknown. Observed: 2 variant alleles. Study: ClinSeq.
Comment: The study set was not selected for affection status in relation to any cancer. Pathogenicity categories were based on literature curation. See Pubmed ID:23861362 for details.

Medical sequencing

Center for Genomics, Ann and Robert H. Lurie Children's Hospital of Chicago
Classification: Uncertain significance for Dilated cardiomyopathy 1KK; MYPN-related myopathy. Review status: criteria provided, single submitter. Criteria: ACMG Guidelines, 2015. Collection method: clinical testing. Allele origin: germline.
Comment: MYPN NM_032578.3 exon 3 p.Val318Ile (c.952G>A): This variant has not been reported in the literature and is present in 0.04% (15/35434) of Latino alleles in the Genome Aggregation Database. This variant is present in ClinVar (Variation ID:192124). This variant amino acid Isoleucine (Ile) is present in several species including multiple mammals, and it is not well conserved among evolutionarily distant species; this suggests that this variant may not impact the protein. Additional computational prediction tools do not suggest an impact. In summary, data on this variant is insufficient for disease classification. Therefore, the clinical significance of this variant is uncertain.

NM_032578.4(MYPN):c.952G>A (p.Val318Ile)

Gene: MYPN (myopalladin; plus strand). Cytogenetic location: 10q21.3.
Variant type: single nucleotide variant.
Coding change: c.952G>A on transcript NM_032578.4 (MANE Select); coding-DNA position 952, G replaced by A.
Protein change: p.Val318Ile; replaces valine 318 with isoleucine.
Molecular consequence: missense variant. On other transcripts: non-coding transcript variant (2).
Genome position (GRCh38, 1-based): chr10:68,142,989, G>A. VCF-style: chr10-68142989-G-A. GRCh37 (hg19) VCF-style: chr10-69902746-G-A.
Other names: p.V318I:GTC>ATC; c.952G>A, p.Val318Ile (NM_001256267.2); c.70G>A, p.Val24Ile (NM_001256268.2); short protein forms V318I, V24I.
Identifiers: ClinVar variation 192124 (VCV000192124.16), dbSNP rs112518450, ClinGen allele CA238416.
Genomic context (GRCh38, chr10:68,142,989, plus strand): 5'-TTTCCCTGCAGGTGGTACTGTGAAGGCAAGGAGCTTGAAAATTCCCCAGATATTCACATC[G>A]TCCAGGCAGGAAATCTGCACTCACTGACCATTGCGGAAGCCTTTGAAGAGGACACAGGAC-3'
Protein context (NP_115967.2, residues 308-328): ELENSPDIHI[Val318Ile]QAGNLHSLTI